The following is an entry in ClinVar:

ClinVar aggregate classification (germline): Uncertain significance (0 of 4 stars; one submission).

Conditions:
NSD1-related disorder. Also called: NSD1-related condition.

Submission:

PreventionGenetics, part of Exact Sciences
Classification: Uncertain significance for NSD1-related condition. Last evaluated: 2024-07-11. Review status: no assertion criteria provided. Collection method: clinical testing. Allele origin: germline.
Comment: The NSD1 c.2075C>G variant is predicted to result in the amino acid substitution p.Thr692Arg. To our knowledge, this variant has not been reported in the literature or in a large population database, indicating this variant is rare. At this time, the clinical significance of this variant is uncertain due to the absence of conclusive functional and genetic evidence.

NM_022455.5(NSD1):c.2075C>G (p.Thr692Arg)

Gene: NSD1 (nuclear receptor binding SET domain protein 1; plus strand). Cytogenetic location: 5q35.3.
Variant type: single nucleotide variant.
Coding change: c.2075C>G on transcript NM_022455.5 (MANE Select); coding-DNA position 2075, C replaced by G.
Protein change: p.Thr692Arg; replaces threonine 692 with arginine.
Molecular consequence: missense variant.
Genome position (GRCh38, 1-based): chr5:177,210,474, C>G. VCF-style: chr5-177210474-C-G. GRCh37 (hg19) VCF-style: chr5-176637475-C-G.
Other names: c.1202C>G, p.Thr401Arg (NM_001365684.2, NM_001409306.1, NM_001409307.1 and 3 more transcripts); c.2075C>G, p.Thr692Arg (NM_001409301.1, NM_001409302.1, NM_001409303.1); c.1655C>G, p.Thr552Arg (NM_001409304.1); c.1322C>G, p.Thr441Arg (NM_001409305.1); short protein forms T401R, T441R, T552R, T692R.
Identifiers: ClinVar variation 3352336 (VCV003352336.1).